The following is an entry in ClinVar:

ClinVar aggregate classification (germline): Uncertain significance (1 of 4 stars; one submission).

Allele frequency attached by ClinVar (database versions not stated): gnomAD 0.00001; TOPMed 0.00001.
gnomAD v4.1: 2 of 1,614,114 alleles (0.00012%); highest among the groups gnomAD compares: Non-Finnish European, 0.00017%; no homozygotes.

Submission:

Labcorp Genetics (formerly Invitae), Labcorp
Classification: Uncertain significance. Last evaluated: 2019-12-27. Review status: criteria provided, single submitter. Criteria: Invitae Variant Classification Sherloc (09022015). Collection method: clinical testing. Allele origin: germline.
Comment: This variant is not present in population databases (ExAC no frequency). In summary, the available evidence is currently insufficient to determine the role of this variant in disease. Therefore, it has been classified as a Variant of Uncertain Significance. Algorithms developed to predict the effect of missense changes on protein structure and function (SIFT, PolyPhen-2, Align-GVGD) all suggest that this variant is likely to be tolerated, but these predictions have not been confirmed by published functional studies and their clinical significance is uncertain. This variant has not been reported in the literature in individuals with TUBGCP4-related conditions. This sequence change replaces lysine with arginine at codon 506 of the TUBGCP4 protein (p.Lys506Arg). The lysine residue is highly conserved and there is a small physicochemical difference between lysine and arginine.

NM_014444.5(TUBGCP4):c.1514A>G (p.Lys505Arg)

Gene: TUBGCP4 (tubulin gamma complex component 4; plus strand). Cytogenetic location: 15q15.3.
Variant type: single nucleotide variant.
Coding change: c.1514A>G on transcript NM_014444.5 (MANE Select); coding-DNA position 1514, A replaced by G.
Protein change: p.Lys505Arg; replaces lysine 505 with arginine.
Molecular consequence: missense variant.
Genome position (GRCh38, 1-based): chr15:43,400,139, A>G. VCF-style: chr15-43400139-A-G. GRCh37 (hg19) VCF-style: chr15-43692337-A-G.
Other names: c.1517A>G, p.Lys506Arg (NM_001286414.3); short protein forms K505R, K506R.
Identifiers: ClinVar variation 838996 (VCV000838996.10), dbSNP rs1280284450, ClinGen allele CA392136087.